The following is an entry in ClinVar:

NM_198578.4(LRRK2):c.4689G>C (p.Gln1563His)

Gene: LRRK2 (leucine rich repeat kinase 2; plus strand). Cytogenetic location: 12q12.
Variant type: single nucleotide variant.
Coding change: c.4689G>C on transcript NM_198578.4 (MANE Select); coding-DNA position 4689, G replaced by C.
Protein change: p.Gln1563His; replaces glutamine 1563 with histidine.
Molecular consequence: missense variant.
Genome position (GRCh38, 1-based): chr12:40,314,124, G>C. VCF-style: chr12-40314124-G-C. GRCh37 (hg19) VCF-style: chr12-40707926-G-C.
Other names: short protein forms Q1563H.
Identifiers: ClinVar variation 1742431 (VCV001742431.3), dbSNP rs540432454, ClinGen allele CA6514250.
Genomic context (GRCh38, chr12:40,314,124, plus strand): 5'-TGAATTTCCCGTAATTGACCGGAAACGATTATTACAACTAGTGAGAGAAAATCAGCTGCA[G>C]TTAGATGAAAATGAGCTTCCTCACGCAGTTCACTTTCTAAATGAATCAGGTTTGTGTTTT-3'
Protein context (NP_940980.4, residues 1553-1573): LLQLVRENQL[Gln1563His]LDENELPHAV

ClinVar aggregate classification (germline): Uncertain significance (1 of 4 stars; one submission).

Conditions:
Inborn genetic diseases. Identifiers: MedGen C0950123, MeSH D030342.

Allele frequency attached by ClinVar (database versions not stated): 1000 Genomes Project 0.00020; 1000 Genomes Project 30x 0.00031.
gnomAD v4.1: 2 of 1,612,688 alleles (0.00012%); highest among the groups gnomAD compares: African/African-American, 0.0027%; no homozygotes.

Submission:

Ambry Genetics
Classification: Uncertain significance for Inborn genetic diseases. Last evaluated: 2024-06-17. Review status: criteria provided, single submitter. Criteria: Ambry Variant Classification Scheme 2023. Collection method: clinical testing. Allele origin: germline.
Comment: The p.Q1563H variant (also known as c.4689G>C), located in coding exon 32 of the LRRK2 gene, results from a G to C substitution at nucleotide position 4689. The glutamine at codon 1563 is replaced by histidine, an amino acid with highly similar properties. This amino acid position is conserved. In addition, this alteration is predicted to be tolerated by in silico analysis. Since supporting evidence is limited at this time, the clinical significance of this alteration remains unclear.